The following is an entry in ClinVar:

ClinVar aggregate classification (germline): Uncertain significance (1 of 4 stars; one submission).

Submission:

Labcorp Genetics (formerly Invitae), Labcorp
Classification: Uncertain significance. Last evaluated: 2024-12-03. Review status: criteria provided, single submitter. Criteria: Invitae Variant Classification Sherloc (09022015). Collection method: clinical testing. Allele origin: germline.
Comment: This variant, c.803_805dup, results in the insertion of 1 amino acid(s) of the LEMD3 protein (p.Asp268dup), but otherwise preserves the integrity of the reading frame. This variant is present in population databases (rs780012432, gnomAD 0.004%). This variant has not been reported in the literature in individuals affected with LEMD3-related conditions. Experimental studies and prediction algorithms are not available or were not evaluated, and the functional significance of this variant is currently unknown. In summary, the available evidence is currently insufficient to determine the role of this variant in disease. Therefore, it has been classified as a Variant of Uncertain Significance.

NM_014319.5(LEMD3):c.794ACG[5] (p.Asp268_Val269insAsp)

Gene: LEMD3 (LEM domain containing 3; plus strand). Cytogenetic location: 12q14.3.
Variant type: Microsatellite.
Coding change: c.794ACG[5] on transcript NM_014319.5 (MANE Select); five copies in a row of the 3-base unit ACG starting at c.794; the reference has four copies in a row; one copy, 3 bases duplicated.
Protein change: p.Asp268_Val269insAsp.
Genome position (GRCh38, 1-based): chr12:65,170,399-65,170,401, ACG duplicated; duplicating any 3 consecutive bases within chr12:65,170,389-65,170,401 gives the same sequence; the position shown is the placement nearest the transcript's 3' end. VCF-style (leftmost placement, unchanged base first): chr12-65170388-G-GGAC. GRCh37 (hg19) VCF-style: chr12-65564168-G-GGAC.
Other names: c.794ACG[5], p.Asp268_Val269insAsp (NM_001167614.2).
Identifiers: ClinVar variation 3639962 (VCV003639962.2).
Genomic context (GRCh38, chr12:65,170,388, plus strand): 5'-GAATGGCAGCCGGCTTGTCCCCTACAGCTGCCGGGAAAACTATTCGGACTCAGAGGAAGA[G>GGAC]GACGACGACGACGTGGCCTCCAGCAGACAGGTATTAAAGGACGACTCCCTTTCCCGGCAT-3'